The following is an entry in ClinVar:

ClinVar aggregate classification (germline): Uncertain significance (1 of 4 stars; one submission).

Conditions:
Chuvash polycythemia. Also called: POLYCYTHEMIA, VHL-DEPENDENT. Identifiers: Orphanet 238557, MedGen C1837915, MONDO:0009892, OMIM 263400.
Von Hippel-Lindau syndrome (VHLS). Also called: Von Hippel-Lindau; von Hippel–Lindau syndrome; VHL syndrome. Identifiers: Orphanet 892, MedGen C0019562, MONDO:0008667, OMIM 193300. Disease mechanism: loss of function.

Submission:

Labcorp Genetics (formerly Invitae), Labcorp
Classification: Uncertain significance for Von Hippel-Lindau syndrome; Chuvash polycythemia. Last evaluated: 2022-09-06. Review status: criteria provided, single submitter. Criteria: Invitae Variant Classification Sherloc (09022015). Collection method: clinical testing. Allele origin: germline.
Comment: In summary, the available evidence is currently insufficient to determine the role of this variant in disease. Therefore, it has been classified as a Variant of Uncertain Significance. Advanced modeling of protein sequence and biophysical properties (such as structural, functional, and spatial information, amino acid conservation, physicochemical variation, residue mobility, and thermodynamic stability) performed at Invitae indicates that this missense variant is expected to disrupt VHL protein function. This variant has not been reported in the literature in individuals affected with VHL-related conditions. This variant is not present in population databases (gnomAD no frequency). This sequence change replaces proline, which is neutral and non-polar, with arginine, which is basic and polar, at codon 172 of the VHL protein (p.Pro172Arg).

NM_000551.4(VHL):c.515C>G (p.Pro172Arg)

Genes: VHL (von Hippel-Lindau tumor suppressor; plus strand), LOC107303340 (3p25 von Hippel-Lindau tumor suppressor, E3 ubiquitin protein ligase Alu-mediated recombination region; plus strand). Cytogenetic location: 3p25.3.
Variant type: single nucleotide variant.
Coding change: c.515C>G on transcript NM_000551.4 (MANE Select); coding-DNA position 515, C replaced by G.
Protein change: p.Pro172Arg; replaces proline 172 with arginine.
Molecular consequence: missense variant. On other transcripts: 3 prime UTR variant (1).
Genome position (GRCh38, 1-based): chr3:10,149,838, C>G. VCF-style: chr3-10149838-C-G. GRCh37 (hg19) VCF-style: chr3-10191522-C-G.
Other names: c.*69C>G (NM_001354723.2); c.392C>G, p.Pro131Arg (NM_198156.3); short protein forms P131R, P172R.
Identifiers: ClinVar variation 1718906 (VCV001718906.6), dbSNP rs1474961317, ClinGen allele CA351756209.